The following is an entry in ClinVar:

ClinVar aggregate classification (germline): Uncertain significance (1 of 4 stars; one submission).

Conditions:
Early-infantile DEE. Also called: Early infantile epileptic encephalopathy; Ohtahara syndrome; Early infantile epileptic encephalopathy with suppression bursts. Identifiers: Orphanet 1934, MedGen C0393706, MONDO:0800491.

Submission:

Labcorp Genetics (formerly Invitae), Labcorp
Classification: Uncertain significance for Early-infantile DEE. Last evaluated: 2022-06-07. Review status: criteria provided, single submitter. Criteria: Invitae Variant Classification Sherloc (09022015). Collection method: clinical testing. Allele origin: germline.
Comment: This sequence change replaces isoleucine, which is neutral and non-polar, with phenylalanine, which is neutral and non-polar, at codon 1921 of the SCN1A protein (p.Ile1921Phe). This variant is not present in population databases (gnomAD no frequency). This variant has not been reported in the literature in individuals affected with SCN1A-related conditions. Advanced modeling of protein sequence and biophysical properties (such as structural, functional, and spatial information, amino acid conservation, physicochemical variation, residue mobility, and thermodynamic stability) performed at Invitae indicates that this missense variant is expected to disrupt SCN1A protein function. In summary, the available evidence is currently insufficient to determine the role of this variant in disease. Therefore, it has been classified as a Variant of Uncertain Significance.

NM_001165963.4(SCN1A):c.5761A>T (p.Ile1921Phe)

Genes: SCN1A (sodium voltage-gated channel alpha subunit 1; minus strand), LOC102724058 (uncharacterized LOC102724058; plus strand). Cytogenetic location: 2q24.3.
Variant type: single nucleotide variant.
Coding change: c.5761A>T on transcript NM_001165963.4 (MANE Select); coding-DNA position 5761, A replaced by T.
Protein change: p.Ile1921Phe; replaces isoleucine 1921 with phenylalanine.
Molecular consequence: missense variant. On other transcripts: non-coding transcript variant (1).
Genome position (GRCh38, 1-based): chr2:165,991,514, T>A on the plus strand (A>T on the coding strand, the complement: SCN1A is on the minus strand). VCF-style: chr2-165991514-T-A. GRCh37 (hg19) VCF-style: chr2-166848024-T-A.
Other names: c.5677A>T, p.Ile1893Phe (NM_001165964.3, NM_001353957.2, NM_001353958.2); c.5761A>T, p.Ile1921Phe (NM_001202435.3, NM_001353948.2); c.5728A>T, p.Ile1910Phe (NM_001353949.2, NM_001353950.2, NM_001353951.2 and 2 more transcripts); c.5725A>T, p.Ile1909Phe (NM_001353954.2, NM_001353955.2); c.5674A>T, p.Ile1892Phe (NM_001353960.2); c.3319A>T, p.Ile1107Phe (NM_001353961.2); short protein forms I1892F, I1910F, I1893F, I1909F, I1107F, I1921F.
Identifiers: ClinVar variation 2003123 (VCV002003123.4), dbSNP rs2468326833, ClinGen allele CA349064086.